The following is an entry in ClinVar:

ClinVar aggregate classification (germline): Uncertain significance (1 of 4 stars; one submission).

Conditions:
Congenital primary aphakia. Also called: Anterior segment dysgenesis 2, multiple subtypes; ANTERIOR SEGMENT DYSGENESIS 2. Identifiers: Orphanet 83461, MedGen C1853230, MONDO:0012456, OMIM 610256.

Submission:

3billion
Classification: Uncertain significance for Congenital primary aphakia. Last evaluated: 2023-07-26. Review status: criteria provided, single submitter. Criteria: ACMG Guidelines, 2015. Collection method: clinical testing. Allele origin: germline. Affected: yes.
Comment: The variant is not observed in the gnomAD v2.1.1 dataset. Predicted Consequence/Location: Missense variant In silico tool predictions suggest the damaging effect of the variant on the gene or gene product (REVEL: 0.92; 3Cnet: 0.97). Therefore, this variant is classified as VUS according to the recommendation of ACMG/AMP guideline.

NM_012186.3(FOXE3):c.440T>C (p.Leu147Pro)

Genes: LINC01389 (long intergenic non-protein coding RNA 1389; minus strand), FOXE3 (forkhead box E3; plus strand). Cytogenetic location: 1p33.
Variant type: single nucleotide variant.
Coding change: c.440T>C on transcript NM_012186.3 (MANE Select); coding-DNA position 440, T replaced by C.
Protein change: p.Leu147Pro; replaces leucine 147 with proline.
Molecular consequence: missense variant.
Genome position (GRCh38, 1-based): chr1:47,416,755, T>C. VCF-style: chr1-47416755-T-C. GRCh37 (hg19) VCF-style: chr1-47882427-T-C.
Other names: short protein forms L147P.
Identifiers: ClinVar variation 3775707 (VCV003775707.1).
Genomic context (GRCh38, chr1:47,416,755, plus strand): 5'-ACTGCTTCGTCAAGGTGCCCCGCGAGCCGGGCAACCCGGGCAAGGGCAACTACTGGACGC[T>C]GGACCCCGCGGCCGCAGACATGTTCGACAACGGCAGCTTCCTGCGGCGCCGCAAGCGCTT-3'
Protein context (NP_036318.1, residues 137-157): GNPGKGNYWT[Leu147Pro]DPAAADMFDN